The following is an entry in ClinVar:

NM_001267550.2(TTN):c.22910A>G (p.Glu7637Gly)

Gene: TTN (titin; minus strand). Cytogenetic location: 2q31.2.
Variant type: single nucleotide variant.
Coding change: c.22910A>G on transcript NM_001267550.2 (MANE Select); coding-DNA position 22910, A replaced by G.
Protein change: p.Glu7637Gly; replaces glutamic acid 7637 with glycine.
Molecular consequence: missense variant. On other transcripts: intron variant (3).
Genome position (GRCh38, 1-based): chr2:178,721,109, T>C on the plus strand (A>G on the coding strand, the complement: TTN is on the minus strand). VCF-style: chr2-178721109-T-C. GRCh37 (hg19) VCF-style: chr2-179585836-T-C.
Other names: c.21959A>G, p.Glu7320Gly (NM_001256850.1); c.19178A>G, p.Glu6393Gly (NM_133378.4); c.13282+16973A>G (NM_003319.4); c.13858+16973A>G (NM_133437.4); c.13657+16973A>G (NM_133432.3); short protein forms E6393G, E7320G, E7637G.
Identifiers: ClinVar variation 4282109 (VCV004282109.1).

ClinVar aggregate classification (germline): Uncertain significance (1 of 4 stars; one submission).

Submission:

GeneDx
Classification: Uncertain significance. Last evaluated: 2025-04-17. Review status: criteria provided, single submitter. Criteria: GeneDx Variant Classification Process June 2021. Collection method: clinical testing. Allele origin: germline. Affected: yes.
Comment: Not observed at significant frequency in large population cohorts (gnomAD); Missense variant in a gene in which most reported pathogenic variants are truncating/loss of function; Has not been previously published as pathogenic or benign to our knowledge